The following is an entry in ClinVar:

ClinVar aggregate classification (germline): Uncertain significance. Review status: criteria provided, multiple submitters, no conflicts (2 of 4 stars). 2 submissions from 2 submitters: Uncertain significance (2). Last evaluated 2024-06-19.

Allele frequency attached by ClinVar (database versions not stated): gnomAD 0.00002; ExAC 0.00007.
gnomAD v4.1: 26 of 1,612,986 alleles (0.0016%); highest among the groups gnomAD compares: Admixed American, 0.0017%; no homozygotes.

Submissions (2):

Blueprint Genetics
Classification: Uncertain significance. Last evaluated: 2024-06-19. Review status: criteria provided, single submitter. Criteria: ACMG Guidelines, 2015. Collection method: clinical testing. Allele origin: germline.

Labcorp Genetics (formerly Invitae), Labcorp
Classification: Uncertain significance. Last evaluated: 2022-05-06. Review status: criteria provided, single submitter. Criteria: Invitae Variant Classification Sherloc (09022015). Collection method: clinical testing. Allele origin: germline.
Comment: This sequence change replaces arginine, which is basic and polar, with tryptophan, which is neutral and slightly polar, at codon 1429 of the PTPN23 protein (p.Arg1429Trp). This variant is present in population databases (rs200695676, gnomAD 0.02%). This variant has not been reported in the literature in individuals affected with PTPN23-related conditions. Algorithms developed to predict the effect of missense changes on protein structure and function are either unavailable or do not agree on the potential impact of this missense change (SIFT: "Deleterious"; PolyPhen-2: "Probably Damaging"; Align-GVGD: "Class C0"). In summary, the available evidence is currently insufficient to determine the role of this variant in disease. Therefore, it has been classified as a Variant of Uncertain Significance.

NM_015466.4(PTPN23):c.4285C>T (p.Arg1429Trp)

Gene: PTPN23 (protein tyrosine phosphatase non-receptor type 23; plus strand). Cytogenetic location: 3p21.31.
Variant type: single nucleotide variant.
Coding change: c.4285C>T on transcript NM_015466.4 (MANE Select); coding-DNA position 4285, C replaced by T.
Protein change: p.Arg1429Trp; replaces arginine 1429 with tryptophan.
Molecular consequence: missense variant.
Genome position (GRCh38, 1-based): chr3:47,412,389, C>T. VCF-style: chr3-47412389-C-T. GRCh37 (hg19) VCF-style: chr3-47453879-C-T.
Other names: c.3907C>T, p.Arg1303Trp (NM_001304482.2); short protein forms R1429W, R1303W.
Identifiers: ClinVar variation 2068951 (VCV002068951.2), dbSNP rs200695676, ClinGen allele CA2366539.